The following is an entry in ClinVar:

ClinVar aggregate classification (germline): Uncertain significance. Review status: criteria provided, multiple submitters, no conflicts (2 of 4 stars). 2 submissions from 2 submitters: Uncertain significance (2). Last evaluated 2025-11-19.

Conditions:
Inborn genetic diseases. Identifiers: MedGen C0950123, MeSH D030342.

gnomAD v4.1: 54 of 1,613,932 alleles (0.0033%); highest among the groups gnomAD compares: East Asian, 0.0045%; no homozygotes.

Submissions (3):

Labcorp Genetics (formerly Invitae), Labcorp
Classification: Uncertain significance. Last evaluated: 2025-11-19. Review status: criteria provided, single submitter. Criteria: Invitae Variant Classification Sherloc (09022015). Collection method: clinical testing. Allele origin: germline.
Comment: This sequence change replaces arginine, which is basic and polar, with glutamine, which is neutral and polar, at codon 328 of the MYH14 protein (p.Arg328Gln). This variant is present in population databases (no rsID available, gnomAD 0.008%). This variant has not been reported in the literature in individuals affected with MYH14-related conditions. ClinVar contains an entry for this variant (Variation ID: 4114662). Invitae Evidence Modeling of protein sequence and biophysical properties (such as structural, functional, and spatial information, amino acid conservation, physicochemical variation, residue mobility, and thermodynamic stability) indicates that this missense variant is expected to disrupt MYH14 protein function with a positive predictive value of 80%. In summary, the available evidence is currently insufficient to determine the role of this variant in disease. Therefore, it has been classified as a Variant of Uncertain Significance.

Ambry Genetics
Classification: Uncertain significance for Inborn genetic diseases. Last evaluated: 2025-08-05. Review status: criteria provided, single submitter. Criteria: Ambry Variant Classification Scheme 2023. Collection method: clinical testing. Allele origin: germline.

Dr. Peter K. Rogan Lab, Western University
No classification provided (evidence only). Condition: Gastric cancer. Review status: no classification provided. Collection method: in vitro. Allele origin: not applicable. Functional consequence: retained intron. Not counted in ClinVar's aggregate classification.

NM_001145809.2(MYH14):c.1007G>A (p.Arg336Gln)

Gene: MYH14 (myosin heavy chain 14; plus strand). Cytogenetic location: 19q13.33.
Variant type: single nucleotide variant.
Coding change: c.1007G>A on transcript NM_001145809.2 (MANE Select); coding-DNA position 1007, G replaced by A.
Protein change: p.Arg336Gln; replaces arginine 336 with glutamine.
Molecular consequence: missense variant.
Genome position (GRCh38, 1-based): chr19:50,231,963, G>A. VCF-style: chr19-50231963-G-A. GRCh37 (hg19) VCF-style: chr19-50735220-G-A.
Other names: NC_000019.9:g.50735220G>A; c.1007G>A, p.Arg336Gln (NM_001077186.2); c.983G>A, p.Arg328Gln (NM_024729.4); short protein forms R328Q, R336Q.
Identifiers: ClinVar variation 4114662 (VCV004114662.3).